The following is an entry in ClinVar:

ClinVar aggregate classification (germline): Uncertain significance. Review status: criteria provided, multiple submitters, no conflicts (2 of 4 stars). 4 submissions from 4 submitters: Uncertain significance (3). 1 of the submissions does not count toward it. Last evaluated 2024-10-31.

Conditions:
RAD50-related disorder. Also called: RAD50-related condition.
Nijmegen breakage syndrome-like disorder (NBSLD). Also called: MICROCEPHALY AND SPONTANEOUS CHROMOSOME INSTABILITY WITHOUT IMMUNODEFICIENCY; NBS-LIKE DISORDER; RAD50 DEFICIENCY. Identifiers: Orphanet 240760, MedGen C2751318, MONDO:0013118, OMIM 613078.
Hereditary cancer-predisposing syndrome. Also called: Neoplastic Syndromes, Hereditary; Tumor predisposition; Hereditary Cancer Syndrome; Hereditary neoplastic syndrome. Identifiers: Orphanet 140162, MedGen C0027672, MeSH D009386, MONDO:0015356.

Allele frequency attached by ClinVar (database versions not stated): gnomAD exomes below 0.00001; TOPMed 0.00001.

Submissions (4):

Ambry Genetics
Classification: Uncertain significance for Hereditary cancer-predisposing syndrome. Last evaluated: 2024-10-31. Review status: criteria provided, single submitter. Criteria: Ambry Variant Classification Scheme 2023. Collection method: clinical testing. Allele origin: germline.
Comment: The p.M1001V variant (also known as c.3001A>G), located in coding exon 19 of the RAD50 gene, results from an A to G substitution at nucleotide position 3001. The methionine at codon 1001 is replaced by valine, an amino acid with highly similar properties. This amino acid position is well conserved in available vertebrate species. In addition, the in silico prediction for this alteration is inconclusive. Since supporting evidence is limited at this time, the clinical significance of this alteration remains unclear.

Baylor Genetics
Classification: Uncertain significance for Nijmegen breakage syndrome-like disorder. Last evaluated: 2023-06-24. Review status: criteria provided, single submitter. Criteria: ACMG Guidelines, 2015. Collection method: clinical testing. Allele origin: unknown.

Labcorp Genetics (formerly Invitae), Labcorp
Classification: Uncertain significance for Hereditary cancer-predisposing syndrome. Last evaluated: 2023-04-28. Review status: criteria provided, single submitter. Criteria: Invitae Variant Classification Sherloc (09022015). Collection method: clinical testing. Allele origin: germline.
Comment: In summary, the available evidence is currently insufficient to determine the role of this variant in disease. Therefore, it has been classified as a Variant of Uncertain Significance. Advanced modeling of protein sequence and biophysical properties (such as structural, functional, and spatial information, amino acid conservation, physicochemical variation, residue mobility, and thermodynamic stability) performed at Invitae indicates that this missense variant is not expected to disrupt RAD50 protein function. ClinVar contains an entry for this variant (Variation ID: 232908). This variant has not been reported in the literature in individuals affected with RAD50-related conditions. This variant is present in population databases (no rsID available, gnomAD 0.003%). This sequence change replaces methionine, which is neutral and non-polar, with valine, which is neutral and non-polar, at codon 1001 of the RAD50 protein (p.Met1001Val).

PreventionGenetics, part of Exact Sciences
Classification: Uncertain significance for RAD50-related condition. Last evaluated: 2024-03-20. Review status: no assertion criteria provided. Collection method: clinical testing. Allele origin: germline. Not counted in ClinVar's aggregate classification.
Comment: The RAD50 c.3001A>G variant is predicted to result in the amino acid substitution p.Met1001Val. To our knowledge, this variant has not been reported in the literature. This variant is reported in 0.0029% of alleles in individuals of Latino descent in gnomAD and has been interpreted as uncertain in ClinVar. At this time, the clinical significance of this variant is uncertain due to the absence of conclusive functional and genetic evidence.

NM_005732.4(RAD50):c.3001A>G (p.Met1001Val)

Gene: RAD50 (RAD50 double strand break repair protein; plus strand). Cytogenetic location: 5q31.1.
Variant type: single nucleotide variant.
Coding change: c.3001A>G on transcript NM_005732.4 (MANE Select); coding-DNA position 3001, A replaced by G.
Protein change: p.Met1001Val; replaces methionine 1001 with valine.
Molecular consequence: missense variant.
Genome position (GRCh38, 1-based): chr5:132,609,361, A>G. VCF-style: chr5-132609361-A-G. GRCh37 (hg19) VCF-style: chr5-131945053-A-G.
Other names: short protein forms M1001V.
Identifiers: ClinVar variation 232908 (VCV000232908.17), dbSNP rs876660064, ClinGen allele CA10578590.